The following is an entry in ClinVar:

NM_153460.4(IL17RC):c.938G>C (p.Ser313Thr)

Gene: IL17RC (interleukin 17 receptor C; plus strand). Cytogenetic location: 3p25.3.
Variant type: single nucleotide variant.
Coding change: c.938G>C on transcript NM_153460.4 (MANE Select); coding-DNA position 938, G replaced by C.
Protein change: p.Ser313Thr; replaces serine 313 with threonine.
Molecular consequence: missense variant. On other transcripts: non-coding transcript variant (1).
Genome position (GRCh38, 1-based): chr3:9,928,365, G>C. VCF-style: chr3-9928365-G-C. GRCh37 (hg19) VCF-style: chr3-9970049-G-C.
Other names: c.938G>C, p.Ser313Thr (NM_001203263.2, NM_001203264.2); c.893G>C, p.Ser298Thr (NM_001203265.2, NM_001367280.1, NM_001410711.1 and 1 more transcripts); c.899G>C, p.Ser300Thr (NM_001367278.1); c.818G>C, p.Ser273Thr (NM_001367279.1); c.1151G>C, p.Ser384Thr (NM_153461.4); short protein forms S298T, S384T, S273T, S300T, S313T.
Identifiers: ClinVar variation 3669102 (VCV003669102.2).

ClinVar aggregate classification (germline): Uncertain significance (1 of 4 stars; one submission).

Conditions:
Candidiasis, familial, 9 (CANDF9). Identifiers: Orphanet 1334, MedGen C4225324, MONDO:0014642, OMIM 616445.

gnomAD v4.1: 7 of 1,605,658 alleles (0.00044%); highest among the groups gnomAD compares: African/African-American, 0.0094%; no homozygotes.

Submission:

Labcorp Genetics (formerly Invitae), Labcorp
Classification: Uncertain significance for Candidiasis, familial, 9. Last evaluated: 2024-10-30. Review status: criteria provided, single submitter. Criteria: Invitae Variant Classification Sherloc (09022015). Collection method: clinical testing. Allele origin: germline.
Comment: This sequence change replaces serine, which is neutral and polar, with threonine, which is neutral and polar, at codon 384 of the IL17RC protein (p.Ser384Thr). This variant is present in population databases (no rsID available, gnomAD 0.008%). This variant has not been reported in the literature in individuals affected with IL17RC-related conditions. An algorithm developed to predict the effect of missense changes on protein structure and function (PolyPhen-2) suggests that this variant is likely to be tolerated. In summary, the available evidence is currently insufficient to determine the role of this variant in disease. Therefore, it has been classified as a Variant of Uncertain Significance.